The following is an entry in ClinVar:

ClinVar aggregate classification (germline): Uncertain significance (1 of 4 stars; one submission).

Conditions:
Hereditary cancer-predisposing syndrome. Also called: Neoplastic Syndromes, Hereditary; Tumor predisposition; Hereditary neoplastic syndrome; Hereditary Cancer Syndrome. Identifiers: Orphanet 140162, MedGen C0027672, MeSH D009386, MONDO:0015356.

Allele frequency attached by ClinVar (database versions not stated): gnomAD exomes below 0.00001.
gnomAD v4.1: 1 of 1,614,046 alleles (0.000062%); highest among the groups gnomAD compares: Non-Finnish European, 0.000085%; no homozygotes.

Submission:

Ambry Genetics
Classification: Uncertain significance for Hereditary cancer-predisposing syndrome. Last evaluated: 2024-01-11. Review status: criteria provided, single submitter. Criteria: Ambry Variant Classification Scheme 2023. Collection method: clinical testing. Allele origin: germline.
Comment: The p.R603C variant (also known as c.1807C>T), located in coding exon 13 of the PTCH1 gene, results from a C to T substitution at nucleotide position 1807. The arginine at codon 603 is replaced by cysteine, an amino acid with highly dissimilar properties. This amino acid position is highly conserved in available vertebrate species. In addition, this alteration is predicted to be deleterious by in silico analysis. Since supporting evidence is limited at this time, the clinical significance of this alteration remains unclear.

NM_000264.5(PTCH1):c.1807C>T (p.Arg603Cys)

Genes: PTCH1 (patched 1; minus strand), LOC100507346 (uncharacterized LOC100507346; plus strand). Cytogenetic location: 9q22.32.
Variant type: single nucleotide variant.
Coding change: c.1807C>T on transcript NM_000264.5 (MANE Select); coding-DNA position 1807, C replaced by T.
Protein change: p.Arg603Cys; replaces arginine 603 with cysteine.
Molecular consequence: missense variant. On other transcripts: non-coding transcript variant (2).
Genome position (GRCh38, 1-based): chr9:95,469,853, G>A on the plus strand (C>T on the coding strand, the complement: PTCH1 is on the minus strand). VCF-style: chr9-95469853-G-A. GRCh37 (hg19) VCF-style: chr9-98232135-G-A.
Other names: c.1609C>T, p.Arg537Cys (NM_001083602.3); c.1804C>T, p.Arg602Cys (NM_001083603.3); c.1354C>T, p.Arg452Cys (NM_001083604.3, NM_001083605.3, NM_001083606.3 and 1 more transcripts); c.1651C>T, p.Arg551Cys (NM_001354918.2); short protein forms R452C, R537C, R551C, R602C, R603C.
Identifiers: ClinVar variation 3230957 (VCV003230957.1), dbSNP rs2118091748, ClinGen allele CA374116302.
Genomic context (GRCh38, chr9:95,469,853, plus strand): 5'-ACAGCAGTCTGAAAATGTACCTTGTAAAACAGCAGAAAATATCCAGTCTCCTGTCCTCGC[G>A]TCGATATAAATCCATGCTGAGAATTGCAGGAAAAATGAGCAGAACCATGGCAAAATTGAA-3'
Protein context (NP_000255.2, residues 593-613): PAILSMDLYR[Arg603Cys]EDRRLDIFCC